The following is an entry in ClinVar:

NM_007118.4(TRIO):c.2222C>G (p.Ser741Cys)

Gene: TRIO (trio Rho guanine nucleotide exchange factor; plus strand). Cytogenetic location: 5p15.2.
Variant type: single nucleotide variant.
Coding change: c.2222C>G on transcript NM_007118.4 (MANE Select); coding-DNA position 2222, C replaced by G.
Protein change: p.Ser741Cys; replaces serine 741 with cysteine.
Molecular consequence: missense variant. On other transcripts: non-coding transcript variant (1).
Genome position (GRCh38, 1-based): chr5:14,359,362, C>G. VCF-style: chr5-14359362-C-G. GRCh37 (hg19) VCF-style: chr5-14359471-C-G.
Other names: short protein forms S741C.
Identifiers: ClinVar variation 5010027 (VCV005010027.1).
Genomic context (GRCh38, chr5:14,359,362, plus strand): 5'-TCTAACAATGTGTGACTTTCTCATCCAATTCCTGTTCCTCTGTGTGCTCTCGCAGGGACT[C>G]TGCCATCTCCAGTAACAAGACCCCCCACAACAGCTCCATCAACCACATTGAGACGGTGCT-3'
Protein context (NP_009049.2, residues 731-751): GEDLIQQLRD[Ser741Cys]AISSNKTPHN

ClinVar aggregate classification (germline): Uncertain significance (1 of 4 stars; one submission).

Submission:

GeneDx
Classification: Uncertain significance. Last evaluated: 2026-02-12. Review status: criteria provided, single submitter. Criteria: GeneDx Variant Classification Process June 2021. Collection method: clinical testing. Allele origin: germline.
Comment: Not observed at significant frequency in large population cohorts (gnomAD); In silico analysis supports that this missense variant has a deleterious effect on protein structure/function; Has not been previously published as pathogenic or benign to our knowledge